The following is an entry in ClinVar:

NM_032043.3(BRIP1):c.939T>G (p.Tyr313Ter)

Gene: BRIP1 (BRCA1 interacting DNA helicase 1; minus strand). Cytogenetic location: 17q23.2.
Variant type: single nucleotide variant.
Coding change: c.939T>G on transcript NM_032043.3 (MANE Select); coding-DNA position 939, T replaced by G.
Protein change: p.Tyr313Ter; replaces tyrosine 313 with a stop codon.
Molecular consequence: nonsense.
Genome position (GRCh38, 1-based): chr17:61,801,454, A>C on the plus strand (T>G on the coding strand, the complement: BRIP1 is on the minus strand). VCF-style: chr17-61801454-A-C. GRCh37 (hg19) VCF-style: chr17-59878815-A-C.
Other names: short protein forms Y313*.
Identifiers: ClinVar variation 578521 (VCV000578521.9), dbSNP rs1436085018, ClinGen allele CA400484282.

ClinVar aggregate classification (germline): Pathogenic. Review status: criteria provided, multiple submitters, no conflicts (2 of 4 stars). 2 submissions from 2 submitters: Pathogenic (2). Last evaluated 2023-06-01.

Conditions:
Fanconi anemia complementation group J. Also called: BRIP1-Related Fanconi Anemia. Identifiers: Orphanet 84, MedGen C1836860, MONDO:0012187, OMIM 609054.
Familial cancer of breast. Also called: hereditary breast carcinoma; BREAST CANCER, FAMILIAL; Hereditary breast cancer. Identifiers: Orphanet 227535, MedGen C0346153, MONDO:0016419, OMIM 114480. Disease mechanism: loss of function.

Allele frequency attached by ClinVar (database versions not stated): gnomAD exomes below 0.00001.
gnomAD v4.1: 1 of 1,612,654 alleles (0.000062%); highest among the groups gnomAD compares: East Asian, 0.0022%; no homozygotes.

Submissions (2):

Myriad Genetics, Inc.
Classification: Pathogenic for Familial cancer of breast. Last evaluated: 2023-06-01. Review status: criteria provided, single submitter. Criteria: Myriad Autosomal Dominant, Autosomal Recessive and X-Linked Classification Criteria (2023). Collection method: clinical testing. Allele origin: unknown.
Comment: This variant is considered pathogenic. This variant creates a termination codon and is predicted to result in premature protein truncation.

Labcorp Genetics (formerly Invitae), Labcorp
Classification: Pathogenic for Familial cancer of breast; Fanconi anemia complementation group J. Last evaluated: 2018-04-05. Review status: criteria provided, single submitter. Criteria: Invitae Variant Classification Sherloc (09022015). Collection method: clinical testing. Allele origin: germline.
Comment: This sequence change creates a premature translational stop signal (p.Tyr313*) in the BRIP1 gene. It is expected to result in an absent or disrupted protein product. For these reasons, this variant has been classified as Pathogenic. Loss-of-function variants in BRIP1 are known to be pathogenic (PMID: 16116423, 17033622, 21964575). This variant has not been reported in the literature in individuals with BRIP1-related disease. This variant is not present in population databases (ExAC no frequency).

Literature cited by the submitters: PubMed 16116423 (cited by Labcorp Genetics (formerly Invitae), Labcorp); PubMed 17033622 (cited by Labcorp Genetics (formerly Invitae), Labcorp); PubMed 21964575 (cited by Labcorp Genetics (formerly Invitae), Labcorp).